The following is an entry in ClinVar:

ClinVar aggregate classification (germline): Uncertain significance (1 of 4 stars; one submission).

Allele frequency attached by ClinVar (database versions not stated): gnomAD exomes below 0.00001; ExAC 0.00001; TOPMed 0.00001; 1000 Genomes Project 30x 0.00016; 1000 Genomes Project 0.00020.
gnomAD v4.1: 1 of 1,612,540 alleles (0.000062%); highest among the groups gnomAD compares: African/African-American, 0.0013%; no homozygotes.

Submission:

Labcorp Genetics (formerly Invitae), Labcorp
Classification: Uncertain significance. Last evaluated: 2022-08-19. Review status: criteria provided, single submitter. Criteria: Invitae Variant Classification Sherloc (09022015). Collection method: clinical testing. Allele origin: germline.
Comment: This sequence change replaces lysine, which is basic and polar, with arginine, which is basic and polar, at codon 1023 of the SPEG protein (p.Lys1023Arg). This variant is present in population databases (rs200136733, gnomAD 0.007%). This variant has not been reported in the literature in individuals affected with SPEG-related conditions. Algorithms developed to predict the effect of missense changes on protein structure and function are either unavailable or do not agree on the potential impact of this missense change (SIFT: "Tolerated"; PolyPhen-2: "Possibly Damaging"; Align-GVGD: "Class C0"). In summary, the available evidence is currently insufficient to determine the role of this variant in disease. Therefore, it has been classified as a Variant of Uncertain Significance.

NM_005876.5(SPEG):c.3068A>G (p.Lys1023Arg)

Gene: SPEG (striated muscle enriched protein kinase; plus strand). Cytogenetic location: 2q35.
Variant type: single nucleotide variant.
Coding change: c.3068A>G on transcript NM_005876.5 (MANE Select); coding-DNA position 3068, A replaced by G.
Protein change: p.Lys1023Arg; replaces lysine 1023 with arginine.
Molecular consequence: missense variant.
Genome position (GRCh38, 1-based): chr2:219,467,360, A>G. VCF-style: chr2-219467360-A-G. GRCh37 (hg19) VCF-style: chr2-220332082-A-G.
Other names: short protein forms K1023R.
Identifiers: ClinVar variation 1990480 (VCV001990480.1), dbSNP rs200136733, ClinGen allele CA2126055.